The following is an entry in ClinVar:

ClinVar aggregate classification (germline): Likely benign. Review status: criteria provided, multiple submitters, no conflicts (2 of 4 stars). 3 submissions from 3 submitters: Likely benign (3). Last evaluated 2026-04-01.

Conditions:
Early-infantile DEE. Also called: Ohtahara syndrome; Early infantile epileptic encephalopathy with suppression bursts; Early infantile epileptic encephalopathy. Identifiers: Orphanet 1934, MedGen C0393706, MONDO:0800491.

Allele frequency attached by ClinVar (database versions not stated): gnomAD exomes 0.00008 and 0.00011; gnomAD 0.00009; TOPMed 0.00010; ExAC 0.00014.

Submissions (3):

CeGaT Center for Human Genetics Tuebingen
Classification: Likely benign. Last evaluated: 2026-04-01. Review status: criteria provided, single submitter. Criteria: CeGaT Center For Human Genetics Tuebingen Variant Classification Criteria Version 2. Collection method: clinical testing. Allele origin: germline. Affected: yes. Observed: 1 variant allele.
Comment: SLC25A22: BP4, BP7

Labcorp Genetics (formerly Invitae), Labcorp
Classification: Likely benign for Early-infantile DEE. Last evaluated: 2025-09-27. Review status: criteria provided, single submitter. Criteria: Invitae Variant Classification Sherloc (09022015). Collection method: clinical testing. Allele origin: germline.

GeneDx
Classification: Likely benign. Last evaluated: 2017-12-04. Review status: criteria provided, single submitter. Criteria: GeneDx Variant Classification (06012015). Collection method: clinical testing. Allele origin: germline. Affected: yes.
Comment: This variant is considered likely benign or benign based on one or more of the following criteria: it is a conservative change, it occurs at a poorly conserved position in the protein, it is predicted to be benign by multiple in silico algorithms, and/or has population frequency not consistent with disease.

NM_001191061.2(SLC25A22):c.177C>T (p.Ser59=)

Gene: SLC25A22 (solute carrier family 25 member 22; minus strand). Cytogenetic location: 11p15.5.
Variant type: single nucleotide variant.
Coding change: c.177C>T on transcript NM_001191061.2 (MANE Select); coding-DNA position 177, C replaced by T.
Protein change: p.Ser59=; no amino-acid change (serine 59 retained).
Molecular consequence: synonymous variant.
Genome position (GRCh38, 1-based): chr11:794,483, G>A on the plus strand (C>T on the coding strand, the complement: SLC25A22 is on the minus strand). VCF-style: chr11-794483-G-A. GRCh37 (hg19) VCF-style: chr11-794483-G-A.
Other names: c.177C>T, p.Ser59= (NM_001191060.2, NM_024698.6).
Identifiers: ClinVar variation 380713 (VCV000380713.13), dbSNP rs761165876, ClinGen allele CA5789338.
Genomic context (GRCh38, chr11:794,483, plus strand): 5'-CTGCCCATATCGAGCCCAGCCGAGCCAAACCTCACCCCGGTACATGCCGAAGTAGCCCTC[G>A]GAGCGGACGGTCTTGATGAGGCAGTCGGACCTGTGGCCAAGGGGACAGGGTGAGCCAGGG-3'
Protein context (NP_001177990.1, residues 49-69): MSDCLIKTVR[Ser59=]EGYFGMYRGA